The following is an entry in ClinVar:

NM_024496.4(IRF2BPL):c.703C>T (p.Leu235=)

Gene: IRF2BPL (interferon regulatory factor 2 binding protein like; minus strand). Cytogenetic location: 14q24.3.
Variant type: single nucleotide variant.
Coding change: c.703C>T on transcript NM_024496.4 (MANE Select); coding-DNA position 703, C replaced by T.
Protein change: p.Leu235=; no amino-acid change (leucine 235 retained).
Molecular consequence: synonymous variant.
Genome position (GRCh38, 1-based): chr14:77,027,090, G>A on the plus strand (C>T on the coding strand, the complement: IRF2BPL is on the minus strand). VCF-style: chr14-77027090-G-A. GRCh37 (hg19) VCF-style: chr14-77493433-G-A.
Other names: c.703C>T (NM_024496.3).
Identifiers: ClinVar variation 4084353 (VCV004084353.9).
Genomic context (GRCh38, chr14:77,027,090, plus strand): 5'-TGGGGGGCACGGTGAGCTGGGGGCCTCCGCCACCCCCCGGGTTGGGCAGCCCCGTAACCA[G>A]CCCACCGTGCGTTCCACGCCGAGACGCCACCGACGCCGCCGCTGAAGAAGAATTGGGGCT-3'
Protein context (NP_078772.1, residues 225-245): VASRRGTHGG[Leu235=]VTGLPNPGGG

ClinVar aggregate classification (germline): Likely benign. Review status: criteria provided, multiple submitters, no conflicts (2 of 4 stars). 2 submissions from 2 submitters: Likely benign (2). Last evaluated 2025-09-10.

Conditions:
IRF2BPL-related disorder. Also called: IRF2BPL-related condition. Identifiers: MedGen CN381093.

Submissions (2):

PreventionGenetics, part of Exact Sciences
Classification: Likely benign for IRF2BPL-related condition. Last evaluated: 2025-09-10. Review status: criteria provided, single submitter. Criteria: ACMG Guidelines, 2015. Collection method: clinical testing. Allele origin: germline.
Comment: This variant is classified as likely benign based on ACMG/AMP sequence variant interpretation guidelines (Richards et al. 2015 PMID: 25741868, with internal and published modifications).

CeGaT Center for Human Genetics Tuebingen
Classification: Likely benign. Last evaluated: 2025-06-01. Review status: criteria provided, single submitter. Criteria: CeGaT Center For Human Genetics Tuebingen Variant Classification Criteria Version 2. Collection method: clinical testing. Allele origin: germline. Affected: yes. Observed: 1 variant allele.
Comment: IRF2BPL: BP4, BP7